The following is an entry in ClinVar:

NM_001371417.1(IL17REL):c.774G>T (p.Ala258=)

Gene: IL17REL (interleukin 17 receptor E like; minus strand). Cytogenetic location: 22q13.33.
Variant type: single nucleotide variant.
Coding change: c.774G>T on transcript NM_001371417.1 (MANE Select); coding-DNA position 774, G replaced by T.
Protein change: p.Ala258=; no amino-acid change (alanine 258 retained).
Molecular consequence: synonymous variant.
Genome position (GRCh38, 1-based): chr22:49,999,334, C>A on the plus strand (G>T on the coding strand, the complement: IL17REL is on the minus strand). VCF-style: chr22-49999334-C-A. GRCh37 (hg19) VCF-style: chr22-50437763-C-A.
Other names: c.558G>T, p.Ala186= (NM_001001694.3); c.774G>T, p.Ala258= (NM_001371416.1).
Identifiers: ClinVar variation 3389803 (VCV003389803.14).
Genomic context (GRCh38, chr22:49,999,334, plus strand): 5'-CATCGCAGGACACTTGCCGTTTTCAAAGGGGCAGATCTGGATCCGCACCGCGTCAGGGGT[C>A]GCAGACCAGCCCTGTGGGAGGGGCTGGGGTCAGCGCAGCCCACCCATCCCTGTGCTCCCC-3'
Protein context (NP_001358346.1, residues 248-268): LPCLCLEGWS[Ala258=]TPDAVRIQIC

ClinVar aggregate classification (germline): Likely benign (1 of 4 stars; one submission).

Submission:

CeGaT Center for Human Genetics Tuebingen
Classification: Likely benign. Last evaluated: 2024-09-01. Review status: criteria provided, single submitter. Criteria: CeGaT Center For Human Genetics Tuebingen Variant Classification Criteria Version 2. Collection method: clinical testing. Allele origin: germline. Affected: yes. Observed: 1 variant allele.
Comment: IL17REL: PM2:Supporting, BP4, BP7